The following is an entry in ClinVar:

NM_000304.4(PMP22):c.390C>G (p.Tyr130Ter)

Gene: PMP22 (peripheral myelin protein 22; minus strand). Cytogenetic location: 17p12.
Variant type: single nucleotide variant.
Coding change: c.390C>G on transcript NM_000304.4 (MANE Select); coding-DNA position 390, C replaced by G.
Protein change: p.Tyr130Ter; replaces tyrosine 130 with a stop codon.
Molecular consequence: nonsense. On other transcripts: non-coding transcript variant (2).
Genome position (GRCh38, 1-based): chr17:15,231,010, G>C on the plus strand (C>G on the coding strand, the complement: PMP22 is on the minus strand). VCF-style: chr17-15231010-G-C. GRCh37 (hg19) VCF-style: chr17-15134327-G-C.
Other names: c.390C>G, p.Tyr130Ter (NM_001281455.2, NM_001281456.2, NM_153321.3 and 1 more transcripts); short protein forms Y130*.
Identifiers: ClinVar variation 489246 (VCV000489246.5), dbSNP rs1555564050, ClinGen allele CA398739656.

ClinVar aggregate classification (germline): Likely pathogenic. Review status: criteria provided, multiple submitters, no conflicts (2 of 4 stars). 2 submissions from 2 submitters: Likely pathogenic (2). Last evaluated 2021-11-29.

Submissions (2):

Revvity Omics, Revvity
Classification: Likely pathogenic. Last evaluated: 2021-11-29. Review status: criteria provided, single submitter. Criteria: ACMG Guidelines, 2015. Collection method: clinical testing. Allele origin: germline.

GeneDx
Classification: Likely pathogenic. Last evaluated: 2017-12-29. Review status: criteria provided, single submitter. Criteria: GeneDx Variant Classification (06012015). Collection method: clinical testing. Allele origin: germline. Affected: yes.
Comment: The Y130X variant in the PMP22 gene has not been reported previously as a pathogenic variant nor as a benign variant, to our knowledge. This variant is predicted to cause loss of normal protein function through protein truncation. The Y130X variant is not observed in large population cohorts (Lek et al., 2016). We interpret Y130X as a likely pathogenic variant.